The following is an entry in ClinVar:

ClinVar aggregate classification (germline): Uncertain significance (1 of 4 stars; one submission).

Conditions:
Cardiovascular phenotype. Identifiers: MedGen CN230736.

Submission:

Ambry Genetics
Classification: Uncertain significance for Cardiovascular phenotype. Last evaluated: 2025-07-21. Review status: criteria provided, single submitter. Criteria: Ambry Variant Classification Scheme 2023. Collection method: clinical testing. Allele origin: germline.
Comment: The p.D1334N variant (also known as c.4000G>A), located in coding exon 2 of the ZNF469 gene, results from a G to A substitution at nucleotide position 4000. The aspartic acid at codon 1334 is replaced by asparagine, an amino acid with highly similar properties. This amino acid position is conserved. In addition, this alteration is predicted to be tolerated by in silico analysis. Based on the available evidence, the clinical significance of this variant remains unclear.

NM_001127464.1:c.4000G>A

Gene: ZNF469 (zinc finger protein 469; plus strand).
Variant type: single nucleotide variant.
Identifiers: ClinVar variation 4209127 (VCV004209127.1).